The following is an entry in ClinVar:

ClinVar aggregate classification (germline): Pathogenic/Likely pathogenic. Review status: criteria provided, multiple submitters, no conflicts (2 of 4 stars). 8 submissions from 7 submitters: Pathogenic (5); Likely pathogenic (2). 1 of the submissions does not count toward it. Last evaluated 2025-06-14.

Conditions:
Hereditary cancer-predisposing syndrome. Also called: Neoplastic Syndromes, Hereditary; Hereditary Cancer Syndrome; Tumor predisposition; Hereditary neoplastic syndrome. Identifiers: Orphanet 140162, MedGen C0027672, MeSH D009386, MONDO:0015356.
Neurofibromatosis, type 1 (NF1). Also called: VON RECKLINGHAUSEN DISEASE; NEUROFIBROMATOSIS, TYPE I, SOMATIC; Peripheral type neurofibromatosis; Neurofibromatosis, type I. Identifiers: Orphanet 636, MedGen C0027831, MONDO:0018975, OMIM 162200. Disease mechanism: loss of function.
NF1-related disorder. Also called: NF1-related condition. Identifiers: MedGen CN379171.
Cardiovascular phenotype. Identifiers: MedGen CN230736.

Allele frequency attached by ClinVar (database versions not stated): gnomAD exomes below 0.00001.
gnomAD v4.1: 1 of 1,614,014 alleles (0.000062%); highest among the groups gnomAD compares: Non-Finnish European, 0.000085%; no homozygotes.

Submissions (8):

Dasa
Classification: Pathogenic. Last evaluated: 2025-06-14. Review status: criteria provided, single submitter. Criteria: DASA Assertion Criteria. Collection method: clinical testing. Allele origin: germline.
Comment: NM_001042492.3(NF1):c.5854T>C (p.Trp1952Arg) is a missense variant that results in the substitution of tryptophan with arginine. This variant results in the same amino acid change as a previously established pathogenic variant. Segregation evidence has been reported in affected families. This variant has been recurrently observed in individuals with related phenotype (PMID: 23244495; PMID: 9101300; PMID: 16944272). Multiple computational predictions support a deleterious effect on the gene or gene product. The variant is present at low frequency in population datasets. Based on the available data, this variant is classified as pathogenic.

Labcorp Genetics (formerly Invitae), Labcorp
Classification: Pathogenic for Neurofibromatosis, type 1. Last evaluated: 2025-01-11. Review status: criteria provided, single submitter. Criteria: Invitae Variant Classification Sherloc (09022015). Collection method: clinical testing. Allele origin: germline.
Comment: This sequence change replaces tryptophan, which is neutral and slightly polar, with arginine, which is basic and polar, at codon 1931 of the NF1 protein (p.Trp1931Arg). This variant is not present in population databases (gnomAD no frequency). This missense change has been observed in individuals with neurofibromatosis type 1 (PMID: 9101300, 16944272, 17311297, 23244495, 29914388). ClinVar contains an entry for this variant (Variation ID: 68357). Invitae Evidence Modeling of protein sequence and biophysical properties (such as structural, functional, and spatial information, amino acid conservation, physicochemical variation, residue mobility, and thermodynamic stability) indicates that this missense variant is expected to disrupt NF1 protein function with a positive predictive value of 95%. For these reasons, this variant has been classified as Pathogenic.

Ambry Genetics
Classification: Pathogenic for Cardiovascular phenotype; Hereditary cancer-predisposing syndrome. Last evaluated: 2024-08-07. Review status: criteria provided, single submitter. Criteria: Ambry Variant Classification Scheme 2023. Collection method: clinical testing. Allele origin: germline.
Comment: The c.5791T>C (p.W1931R) alteration is located in exon 39 (coding exon 39) of the NF1 gene. This alteration results from a T to C substitution at nucleotide position 5791, causing the tryptophan (W) at amino acid position 1931 to be replaced by an arginine (R). This variant was not reported in population-based cohorts in the Genome Aggregation Database (gnomAD). This alteration, also designated c.5854T>C (p.W1952R), has been detected in numerous individuals meeting NIH criteria for a clinical diagnosis of neurofibromatosis type 1 (Mao, 2018; Hudson, 1997; Griffiths, 2007; Cal&igrave;, 2017; Alkindy, 2012). This amino acid position is highly conserved in available vertebrate species. This missense alteration is located in a region that has a low rate of benign missense variation (Lek, 2016; Firth, 2009). This alteration is predicted to be deleterious by in silico analysis. Based on the available evidence, this alteration is classified as pathogenic.

Neuberg Centre For Genomic Medicine, NCGM
Classification: Likely pathogenic for Neurofibromatosis, type 1. Last evaluated: 2023-02-14. Review status: criteria provided, single submitter. Criteria: ACMG Guidelines, 2015. Collection method: clinical testing. Allele origin: germline. Inheritance: Autosomal dominant inheritance. Affected: yes.
Comment: The missense c.5854T>C (p.Trp1952Arg) variant in the NF1 gene has been reported has been observed in individuals with neurofibromatosis type 1 (Mao B et al., 2018). The variant is novel (not in any individuals) in gnomAD Exomes and 1000 Genomes. It is submitted to ClinVar as Pathogenic/Likely Pathogenic. The amino acid Tryptophan at position 1952 is changed to a Arginie changing protein sequence and it might alter its composition and physico-chemical properties. The amino acid change p.Trp1952Arg in NF1 is predicted as conserved by GERP++ and PhyloP across 100 vertebrates. The variant is predicted as damaging by SIFT. The residue is conserved by GERP++ and PhyloP across 100 vertebrates. Functional studies are further required to prove the variant's pathogenicity. For these reasons, this variant has been classified as Likely Pathogenic.

Genome-Nilou Lab
Classification: Likely pathogenic for Neurofibromatosis, type 1. Last evaluated: 2022-03-15. Review status: criteria provided, single submitter. Criteria: ACMG Guidelines, 2015. Collection method: clinical testing. Allele origin: germline. Affected: no.

Blueprint Genetics
Classification: Pathogenic for NF1-related disorders. Last evaluated: 2018-06-19. Review status: criteria provided, single submitter. Criteria: ACMG Guidelines, 2015. Collection method: clinical testing. Allele origin: germline. Affected: yes. Observed: 2 variant alleles.

Ambry Genetics
Classification: Pathogenic for Hereditary cancer-predisposing syndrome. Last evaluated: 2018-02-28. Review status: criteria provided, single submitter. Criteria: Ambry Autosomal Dominant and X-Linked criteria (3/2017). Collection method: clinical testing. Allele origin: germline. Observed: 1 variant allele.
Comment: The p.W1952R variant (also known as c.5854T>C), located in coding exon 40 of the NF1 gene, results from a T to C substitution at nucleotide position 5854. The tryptophan at codon 1952 is replaced by arginine, an amino acid with dissimilar properties. In addition, this alteration has been detected in multiple unrelated individuals meeting NIH <span style="font-size:13.3333px">diagnostic<span style="font-size:13.3333px"> criteria for NF1 (Griffiths S, Fam. Cancer 2007; 6(1):21-34; Cal&igrave;<span style="background-color:rgb(255, 255, 255); color:rgb(51, 51, 51); font-family:sans-serif,arial,verdana,trebuchet ms; font-size:13px"> F et al. Eur J Med Genet<span style="background-color:rgb(255, 255, 255); color:rgb(51, 51, 51); font-family:sans-serif,arial,verdana,trebuchet ms; font-size:13px">, 2017 Feb;60:93-99; Alkindy<span style="background-color:rgb(255, 255, 255); color:rgb(51, 51, 51); font-family:sans-serif,arial,verdana,trebuchet ms; font-size:13px"> A et al. Hum. Genomics<span style="background-color:rgb(255, 255, 255); color:rgb(51, 51, 51); font-family:sans-serif,arial,verdana,trebuchet ms; font-size:13px">, 2012 Aug;6:12). Based on the supporting evidence, this alteration is interpreted as a disease-causing mutation.

UniProtKB/Swiss-Prot
No classification provided. Review status: no classification provided. Collection method: not provided. Allele origin: not provided. Not counted in ClinVar's aggregate classification.

Literature cited by the submitters: PubMed 23244495 (cited by 3 submitters); PubMed 9101300 (cited by 3 submitters); PubMed 16944272 (cited by 3 submitters); PubMed 17311297 (cited by Labcorp Genetics (formerly Invitae), Labcorp); PubMed 29914388 (cited by Labcorp Genetics (formerly Invitae), Labcorp and Ambry Genetics); PubMed 27838393 (cited by Ambry Genetics).

NM_001042492.3(NF1):c.5854T>C (p.Trp1952Arg)

Gene: NF1 (neurofibromin 1; plus strand). Cytogenetic location: 17q11.2.
Variant type: single nucleotide variant.
Coding change: c.5854T>C on transcript NM_001042492.3 (MANE Select); coding-DNA position 5854, T replaced by C.
Protein change: p.Trp1952Arg; replaces tryptophan 1952 with arginine.
Molecular consequence: missense variant.
Genome position (GRCh38, 1-based): chr17:31,334,879, T>C. VCF-style: chr17-31334879-T-C. GRCh37 (hg19) VCF-style: chr17-29661897-T-C.
Other names: c.5791T>C, p.Trp1931Arg (NM_000267.4); short protein forms W1931R, W1952R.
Identifiers: ClinVar variation 68357 (VCV000068357.17), dbSNP rs199474791, ClinGen allele CA219611.